The following is an entry in ClinVar:

ClinVar aggregate classification (germline): Uncertain significance (1 of 4 stars; one submission).

Conditions:
Inborn genetic diseases. Identifiers: MedGen C0950123, MeSH D030342.

Submission:

Ambry Genetics
Classification: Uncertain significance for Inborn genetic diseases. Last evaluated: 2025-04-04. Review status: criteria provided, single submitter. Criteria: Ambry Variant Classification Scheme 2023. Collection method: clinical testing. Allele origin: germline.
Comment: The p.T1170N variant (also known as c.3509C>A), located in coding exon 1 of the SAMD9L gene, results from a C to A substitution at nucleotide position 3509. The threonine at codon 1170 is replaced by asparagine, an amino acid with similar properties. This amino acid position is conserved. In addition, this alteration is predicted to be tolerated by in silico analysis. Based on the available evidence, the clinical significance of this variant remains unclear.

NM_152703.5(SAMD9L):c.3509C>A (p.Thr1170Asn)

Gene: SAMD9L (sterile alpha motif domain containing 9 like; minus strand). Cytogenetic location: 7q21.2.
Variant type: single nucleotide variant.
Coding change: c.3509C>A on transcript NM_152703.5 (MANE Select); coding-DNA position 3509, C replaced by A.
Protein change: p.Thr1170Asn; replaces threonine 1170 with asparagine.
Molecular consequence: missense variant.
Genome position (GRCh38, 1-based): chr7:93,132,463, G>T on the plus strand (C>A on the coding strand, the complement: SAMD9L is on the minus strand). VCF-style: chr7-93132463-G-T. GRCh37 (hg19) VCF-style: chr7-92761776-G-T.
Other names: c.3509C>A, p.Thr1170Asn (NM_001303496.3, NM_001303497.3, NM_001303498.3 and 5 more transcripts); short protein forms T1170N.
Identifiers: ClinVar variation 3949803 (VCV003949803.1).